The following is an entry in ClinVar:

NM_001367624.2(ZNF469):c.10682C>T (p.Ala3561Val)

Gene: ZNF469 (zinc finger protein 469; plus strand). Cytogenetic location: 16q24.2.
Variant type: single nucleotide variant.
Coding change: c.10682C>T on transcript NM_001367624.2 (MANE Select); coding-DNA position 10682, C replaced by T.
Protein change: p.Ala3561Val; replaces alanine 3561 with valine.
Molecular consequence: missense variant.
Genome position (GRCh38, 1-based): chr16:88,438,152, C>T. VCF-style: chr16-88438152-C-T. GRCh37 (hg19) VCF-style: chr16-88504560-C-T.
Other names: NM_001127464.1:c.10598C>T; short protein forms A3561V.
Identifiers: ClinVar variation 3232730 (VCV003232730.1), dbSNP rs2507607227, ClinGen allele CA397127484.

ClinVar aggregate classification (germline): Uncertain significance (1 of 4 stars; one submission).

Conditions:
Cardiovascular phenotype. Identifiers: MedGen CN230736.

Allele frequency attached by ClinVar (database versions not stated): gnomAD exomes below 0.00001.
gnomAD v4.1: 3 of 1,550,282 alleles (0.00019%); highest among the groups gnomAD compares: Middle Eastern, 0.033%; no homozygotes.

Submission:

Ambry Genetics
Classification: Uncertain significance for Cardiovascular phenotype. Last evaluated: 2023-12-04. Review status: criteria provided, single submitter. Criteria: Ambry Variant Classification Scheme 2023. Collection method: clinical testing. Allele origin: germline.
Comment: The p.A3533V variant (also known as c.10598C>T), located in coding exon 2 of the ZNF469 gene, results from a C to T substitution at nucleotide position 10598. The alanine at codon 3533 is replaced by valine, an amino acid with similar properties. This amino acid position is conserved. In addition, this alteration is predicted to be tolerated by in silico analysis. Since supporting evidence is limited at this time, the clinical significance of this alteration remains unclear.